The following is an entry in ClinVar:

NM_001376.5(DYNC1H1):c.12333G>A (p.Lys4111=)

Gene: DYNC1H1 (dynein cytoplasmic 1 heavy chain 1; plus strand). Cytogenetic location: 14q32.31.
Variant type: single nucleotide variant.
Coding change: c.12333G>A on transcript NM_001376.5 (MANE Select); coding-DNA position 12333, G replaced by A.
Protein change: p.Lys4111=; no amino-acid change (lysine 4111 retained).
Molecular consequence: synonymous variant.
Genome position (GRCh38, 1-based): chr14:102,042,441, G>A. VCF-style: chr14-102042441-G-A. GRCh37 (hg19) VCF-style: chr14-102508778-G-A.
Identifiers: ClinVar variation 618611 (VCV000618611.20), dbSNP rs373520665, ClinGen allele CA7353901.
Genomic context (GRCh38, chr14:102,042,441, plus strand): 5'-CAGGTGGGTGATGCTGAAGAATGTGCATCTGGCCCCAGGGTGGCTGATGCAGCTGGAGAA[G>A]AAGTTGCATTCCCTGCAGCCGCATGCCTGCTTCCGACTCTTCCTCACCATGGAGATCAAC-3'
Protein context (NP_001367.2, residues 4101-4121): LAPGWLMQLE[Lys4111=]KLHSLQPHAC

ClinVar aggregate classification (germline): Likely benign. Review status: criteria provided, multiple submitters, no conflicts (2 of 4 stars). 4 submissions from 4 submitters: Likely benign (3). 1 of the submissions does not count toward it. Last evaluated 2025-08-10.

Conditions:
DYNC1H1-related disorder. Also called: DYNC1H1-related condition; DYNC1H1-related disorders. Identifiers: MedGen CN381529.
Charcot-Marie-Tooth disease axonal type 2O. Also called: Charcot-Marie-Tooth Neuropathy Type 2O; CHARCOT-MARIE-TOOTH NEUROPATHY, AXONAL, TYPE 2O; CHARCOT-MARIE-TOOTH DISEASE, AXONAL, AUTOSOMAL DOMINANT, TYPE 2O; Charcot-Marie-Tooth disease, axonal, type 20. Identifiers: Orphanet 284232, MedGen C3280220, MONDO:0013644, OMIM 614228.
Inborn genetic diseases. Identifiers: MedGen C0950123, MeSH D030342.

Allele frequency attached by ClinVar (database versions not stated): gnomAD exomes 0.00002 and 0.00006; ExAC 0.00003; gnomAD 0.00012; 1000 Genomes Project 30x 0.00016; TOPMed 0.00017; 1000 Genomes Project 0.00020; ESP Exome Variant Server 0.00023.
gnomAD v4.1: 54 of 1,614,184 alleles (0.0033%); highest among the groups gnomAD compares: African/African-American, 0.067%; no homozygotes.

Submissions (4):

Labcorp Genetics (formerly Invitae), Labcorp
Classification: Likely benign for Charcot-Marie-Tooth disease axonal type 2O. Last evaluated: 2025-08-10. Review status: criteria provided, single submitter. Criteria: Invitae Variant Classification Sherloc (09022015). Collection method: clinical testing. Allele origin: germline.

ARUP Laboratories, Molecular Genetics and Genomics, ARUP Laboratories
Classification: Likely benign. Last evaluated: 2018-02-15. Review status: criteria provided, single submitter. Criteria: ARUP Molecular Germline Variant Investigation Process. Collection method: clinical testing. Allele origin: germline.
Comment: The c.12333G>A; p.Lys4111Lys variant (rs373520665) does not alter the amino acid sequence of the DYNC1H1protein and computational splice site prediction algorithms do not predict a change in the nearest splice site or creation of a cryptic splice site. This variant has not been reported in association with CMT in medical literature or in gene specific variation databases. This variant is listed in the genome Aggregation Database (gnomAD) with an overall population frequency of 0.008% (identified on 22 out of 277,174 chromosomes). Based on the available information, the c.12333G>A variant is likely to be benign.

Ambry Genetics
Classification: Likely benign for Inborn genetic diseases. Last evaluated: 2017-12-04. Review status: criteria provided, single submitter. Criteria: Ambry Variant Classification Scheme 2023. Collection method: clinical testing. Allele origin: germline.

PreventionGenetics, part of Exact Sciences
Classification: Likely benign for DYNC1H1-related condition. Last evaluated: 2024-02-02. Review status: no assertion criteria provided. Collection method: clinical testing. Allele origin: germline. Not counted in ClinVar's aggregate classification.
Comment: This variant is classified as likely benign based on ACMG/AMP sequence variant interpretation guidelines (Richards et al. 2015 PMID: 25741868, with internal and published modifications).